The following is an entry in ClinVar:

ClinVar aggregate classification (germline): Uncertain significance (1 of 4 stars; one submission).

Conditions:
Galactosylceramide beta-galactosidase deficiency. Also called: Leukodystrophy, Globoid Cell; Krabbe Disease; GALACTOCEREBROSIDASE DEFICIENCY; GALC DEFICIENCY; GLOBOID CELL LEUKOENCEPHALOPATHY. Identifiers: Orphanet 487, MedGen C0023521, MONDO:0009499, OMIM 245200.

Submission:

Labcorp Genetics (formerly Invitae), Labcorp
Classification: Uncertain significance for Galactosylceramide beta-galactosidase deficiency. Last evaluated: 2024-06-17. Review status: criteria provided, single submitter. Criteria: Invitae Variant Classification Sherloc (09022015). Collection method: clinical testing. Allele origin: germline.
Comment: This sequence change replaces arginine, which is basic and polar, with histidine, which is basic and polar, at codon 184 of the GALC protein (p.Arg184His). This variant is present in population databases (rs768814203, gnomAD 0.02%). This variant has not been reported in the literature in individuals affected with GALC-related conditions. Advanced modeling of protein sequence and biophysical properties (such as structural, functional, and spatial information, amino acid conservation, physicochemical variation, residue mobility, and thermodynamic stability) performed at Invitae indicates that this missense variant is not expected to disrupt GALC protein function with a negative predictive value of 95%. In summary, the available evidence is currently insufficient to determine the role of this variant in disease. Therefore, it has been classified as a Variant of Uncertain Significance.

NM_000153.4(GALC):c.551G>A (p.Arg184His)

Gene: GALC (galactosylceramidase; minus strand). Cytogenetic location: 14q31.3.
Variant type: single nucleotide variant.
Coding change: c.551G>A on transcript NM_000153.4 (MANE Select); coding-DNA position 551, G replaced by A.
Protein change: p.Arg184His; replaces arginine 184 with histidine.
Molecular consequence: missense variant. On other transcripts: 5 prime UTR variant (2), non-coding transcript variant (1).
Genome position (GRCh38, 1-based): chr14:87,984,425, C>T on the plus strand (G>A on the coding strand, the complement: GALC is on the minus strand). VCF-style: chr14-87984425-C-T. GRCh37 (hg19) VCF-style: chr14-88450769-C-T.
Other names: c.482G>A, p.Arg161His (NM_001201401.2); c.473G>A, p.Arg158His (NM_001201402.2); c.383G>A, p.Arg128His (NM_001424071.1, NM_001424072.1, NM_001424073.1); c.203G>A, p.Arg68His (NM_001424074.1, NM_001424075.1); c.-117G>A (NM_001424076.1, NM_001424077.1); short protein forms R158H, R68H, R184H, R128H, R161H.
Identifiers: ClinVar variation 3632086 (VCV003632086.1).